The following is an entry in ClinVar:

ClinVar aggregate classification (germline): Uncertain significance (1 of 4 stars; one submission).

Submission:

Greenwood Genetic Center Diagnostic Laboratories, Greenwood Genetic Center
Classification: Uncertain significance. Last evaluated: 2024-10-14. Review status: criteria provided, single submitter. Criteria: ACMG Guidelines, 2015. Collection method: clinical testing. Allele origin: germline. Affected: yes.
Comment: PM2, PP3

NM_001349338.3(FOXP1):c.692T>A (p.Leu231His)

Gene: FOXP1 (forkhead box P1; minus strand). Cytogenetic location: 3p13.
Variant type: single nucleotide variant.
Coding change: c.692T>A on transcript NM_001349338.3 (MANE Select); coding-DNA position 692, T replaced by A.
Protein change: p.Leu231His; replaces leucine 231 with histidine.
Molecular consequence: missense variant. On other transcripts: non-coding transcript variant (2).
Genome position (GRCh38, 1-based): chr3:71,041,505, A>T on the plus strand (T>A on the coding strand, the complement: FOXP1 is on the minus strand). VCF-style: chr3-71041505-A-T. GRCh37 (hg19) VCF-style: chr3-71090656-A-T.
Other names: c.692T>A, p.Leu231His (NM_001244808.3, NM_001244810.2, NM_001244814.3 and 3 more transcripts); c.464T>A, p.Leu155His (NM_001244812.3); c.392T>A, p.Leu131His (NM_001244813.3, NM_001244815.2, NM_001349342.3 and 1 more transcripts); c.389T>A, p.Leu130His (NM_001349337.2, NM_001349343.3, NM_001349344.3); c.689T>A, p.Leu230His (NM_001349341.3); short protein forms L130H, L131H, L155H, L230H, L231H.
Identifiers: ClinVar variation 3765705 (VCV003765705.1).